The following is an entry in ClinVar:

ClinVar aggregate classification (germline): Uncertain significance. Review status: criteria provided, multiple submitters, no conflicts (2 of 4 stars). 2 submissions from 2 submitters: Uncertain significance (2). Last evaluated 2023-05-16.

Allele frequency attached by ClinVar (database versions not stated): gnomAD 0.00001; TOPMed 0.00002; gnomAD exomes 0.00010; ExAC 0.00023.
gnomAD v4.1: 140 of 1,611,784 alleles (0.0087%); highest among the groups gnomAD compares: South Asian, 0.12%; 1 homozygote.

Submissions (2):

Labcorp Genetics (formerly Invitae), Labcorp
Classification: Uncertain significance. Last evaluated: 2023-05-16. Review status: criteria provided, single submitter. Criteria: Invitae Variant Classification Sherloc (09022015). Collection method: clinical testing. Allele origin: germline.
Comment: In summary, the available evidence is currently insufficient to determine the role of this variant in disease. Therefore, it has been classified as a Variant of Uncertain Significance. Advanced modeling of protein sequence and biophysical properties (such as structural, functional, and spatial information, amino acid conservation, physicochemical variation, residue mobility, and thermodynamic stability) performed at Invitae indicates that this missense variant is expected to disrupt MYH7B protein function. ClinVar contains an entry for this variant (Variation ID: 2379771). This variant has not been reported in the literature in individuals affected with MYH7B-related conditions. This variant is present in population databases (rs765648452, gnomAD 0.1%), and has an allele count higher than expected for a pathogenic variant. This sequence change replaces arginine, which is basic and polar, with cysteine, which is neutral and slightly polar, at codon 842 of the MYH7B protein (p.Arg842Cys).

Ambry Genetics
Classification: Uncertain significance. Last evaluated: 2022-01-26. Review status: criteria provided, single submitter. Criteria: Ambry Variant Classification Scheme 2023. Collection method: clinical testing. Allele origin: germline.

NM_020884.7(MYH7B):c.2398C>T (p.Arg800Cys)

Gene: MYH7B (myosin heavy chain 7B; plus strand). Cytogenetic location: 20q11.22.
Variant type: single nucleotide variant.
Coding change: c.2398C>T on transcript NM_020884.7 (MANE Select); coding-DNA position 2398, C replaced by T.
Protein change: p.Arg800Cys; replaces arginine 800 with cysteine.
Molecular consequence: missense variant.
Genome position (GRCh38, 1-based): chr20:34,993,424, C>T. VCF-style: chr20-34993424-C-T. GRCh37 (hg19) VCF-style: chr20-33581227-C-T.
Other names: short protein forms R800C.
Identifiers: ClinVar variation 2379771 (VCV002379771.5), dbSNP rs765648452, ClinGen allele CA9827357.